The following is an entry in ClinVar:

NM_005413.4(SIX3):c.807-7C>T

Gene: SIX3 (SIX homeobox 3; plus strand). Cytogenetic location: 2p21.
Variant type: single nucleotide variant.
Coding change: c.807-7C>T on transcript NM_005413.4 (MANE Select); 7 bases into the intron before coding-DNA position 807, C replaced by T.
Molecular consequence: intron variant.
Genome position (GRCh38, 1-based): chr2:44,944,561, C>T. VCF-style: chr2-44944561-C-T. GRCh37 (hg19) VCF-style: chr2-45171700-C-T.
Identifiers: ClinVar variation 703294 (VCV000703294.12), dbSNP rs758201999, ClinGen allele CA1642391.

ClinVar aggregate classification (germline): Benign/Likely benign. Review status: criteria provided, multiple submitters, no conflicts (2 of 4 stars). 2 submissions from 2 submitters: Benign (1); Likely benign (1). Last evaluated 2025-07-15.

Conditions:
Holoprosencephaly 2 (HPE2). Identifiers: Orphanet 2162, MedGen C1834877, MONDO:0007999, OMIM 157170.

Allele frequency attached by ClinVar (database versions not stated): gnomAD 0.00004 and 0.00005; TOPMed 0.00008; gnomAD exomes 0.00012; 1000 Genomes Project 30x 0.00016; ExAC 0.00017.
gnomAD v4.1: 83 of 1,567,938 alleles (0.0053%); highest among the groups gnomAD compares: Middle Eastern, 0.079%; no homozygotes.

Submissions (2):

Labcorp Genetics (formerly Invitae), Labcorp
Classification: Likely benign for Holoprosencephaly 2. Last evaluated: 2025-07-15. Review status: criteria provided, single submitter. Criteria: Invitae Variant Classification Sherloc (09022015). Collection method: clinical testing. Allele origin: germline.

Athena Diagnostics
Classification: Benign. Last evaluated: 2024-12-10. Review status: criteria provided, single submitter. Criteria: Athena Diagnostics Criteria. Collection method: clinical testing. Allele origin: unknown.
Comment: The frequency of this variant in the general population is higher than would generally be expected for pathogenic variants in this gene. Computational tools yielded predictions that this variant is unlikely to have an effect on normal RNA splicing.